The following is an entry in ClinVar:

NM_031229.4(RBCK1):c.795C>G (p.His265Gln)

Gene: RBCK1 (RANBP2-type and C3HC4-type zinc finger containing 1; plus strand). Cytogenetic location: 20p13.
Variant type: single nucleotide variant.
Coding change: c.795C>G on transcript NM_031229.4 (MANE Select); coding-DNA position 795, C replaced by G.
Protein change: p.His265Gln; replaces histidine 265 with glutamine.
Molecular consequence: missense variant. On other transcripts: non-coding transcript variant (1), intron variant (2).
Genome position (GRCh38, 1-based): chr20:420,909, C>G. VCF-style: chr20-420909-C-G. GRCh37 (hg19) VCF-style: chr20-401553-C-G.
Other names: c.669C>G, p.His223Gln (NM_006462.6); c.407+1178C>G (NM_001323956.2, NM_001323958.2); short protein forms H265Q, H223Q.
Identifiers: ClinVar variation 1503075 (VCV001503075.6), dbSNP rs1001816526, ClinGen allele CA407927763.

ClinVar aggregate classification (germline): Uncertain significance (1 of 4 stars; one submission).

Conditions:
Polyglucosan body myopathy type 1 (PGBM1). Also called: Polyglucosan body myopathy 1 with or without immunodeficiency; POLYGLUCOSAN BODY MYOPATHY WITHOUT IMMUNODEFICIENCY. Identifiers: Orphanet 329173, Orphanet 397937, MedGen C4014605, MONDO:0014389, OMIM 615895.

Submission:

Labcorp Genetics (formerly Invitae), Labcorp
Classification: Uncertain significance for Polyglucosan body myopathy type 1. Last evaluated: 2024-02-17. Review status: criteria provided, single submitter. Criteria: Invitae Variant Classification Sherloc (09022015). Collection method: clinical testing. Allele origin: germline.
Comment: This sequence change replaces histidine with glutamine at codon 265 of the RBCK1 protein (p.His265Gln). The histidine residue is highly conserved and there is a small physicochemical difference between histidine and glutamine. This variant is not present in population databases (gnomAD no frequency). This variant has not been reported in the literature in individuals affected with RBCK1-related conditions. ClinVar contains an entry for this variant (Variation ID: 1503075). Advanced modeling of protein sequence and biophysical properties (such as structural, functional, and spatial information, amino acid conservation, physicochemical variation, residue mobility, and thermodynamic stability) performed at Invitae indicates that this missense variant is not expected to disrupt RBCK1 protein function with a negative predictive value of 80%. In summary, the available evidence is currently insufficient to determine the role of this variant in disease. Therefore, it has been classified as a Variant of Uncertain Significance.